The following is an entry in ClinVar:

ClinVar aggregate classification (germline): Conflicting classifications of pathogenicity. Review status: criteria provided, conflicting classifications (1 of 4 stars). 12 submissions from 12 submitters: Likely pathogenic (7); Uncertain significance (4). 1 of the submissions does not count toward it. Last evaluated 2025-10-23.

Conditions:
CFTR-related disorder (CFTR-RD). Also called: CFTR-related condition; CFTR-related disorders. Identifiers: MedGen C5924204, MONDO:7770004.
Cystic fibrosis (CF). Also called: MUCOVISCIDOSIS. Identifiers: Orphanet 586, MedGen C0010674, MONDO:0009061, OMIM 219700. Disease mechanism: loss of function.

Allele frequency attached by ClinVar (database versions not stated): gnomAD exomes below 0.00001; TOPMed below 0.00001.
gnomAD v4.1: 4 of 1,571,712 alleles (0.00025%); highest among the groups gnomAD compares: Admixed American, 0.0017%; no homozygotes.

Submissions (12):

Labcorp Genetics (formerly Invitae), Labcorp
Classification: Likely pathogenic for Cystic fibrosis. Last evaluated: 2025-10-23. Review status: criteria provided, single submitter. Criteria: Invitae Variant Classification Sherloc (09022015). Collection method: clinical testing. Allele origin: germline.
Comment: This sequence change replaces threonine, which is neutral and polar, with isoleucine, which is neutral and non-polar, at codon 1299 of the CFTR protein (p.Thr1299Ile). This variant is not present in population databases (gnomAD no frequency). This missense change has been observed in individuals with clinical features of cystic fibrosis (PMID: 10439967, 16049310, 25963003, 33431308, 34814176, 37009019; internal data). ClinVar contains an entry for this variant (Variation ID: 53844). Invitae Evidence Modeling of protein sequence and biophysical properties (such as structural, functional, and spatial information, amino acid conservation, physicochemical variation, residue mobility, and thermodynamic stability) indicates that this missense variant is expected to disrupt CFTR protein function with a positive predictive value of 80%. In summary, the currently available evidence indicates that the variant is pathogenic, but additional data are needed to prove that conclusively. Therefore, this variant has been classified as Likely Pathogenic.

Natera, Inc.
Classification: Likely pathogenic for CFTR-related disorders. Last evaluated: 2025-07-23. Review status: criteria provided, single submitter. Criteria: Natera Variant Classification Schema (03/2026). Collection method: clinical testing. Allele origin: germline.
Comment: The c.3896C>T variant in CFTR is a missense variant predicted to cause substitution of threonine to isoleucine at amino acid 1299. This variant is rare in the general population with a frequency below the threshold expected for the associated phenotype(s). This variant has been observed in one or more individuals affected with the associated recessive disease, as either homozygous or compound heterozygous with a second variant (PMID: 38956483, 36892308, 35633718, 25963003, 33020115). Functional studies show that this variant may disrupt protein function (PMID: 38388235). Computational prediction algorithms indicate this variant is likely to affect gene or protein function. Given the available evidence, this variant is classified as Likely Pathogenic.

PreventionGenetics, part of Exact Sciences
Classification: Likely pathogenic for CFTR-related condition. Last evaluated: 2025-06-17. Review status: criteria provided, single submitter. Criteria: ACMG Guidelines, 2015. Collection method: clinical testing. Allele origin: germline.
Comment: The CFTR c.3896C>T variant is predicted to result in the amino acid substitution p.Thr1299Ile. This variant has been reported in individuals from cystic fibrosis (CF) cohorts though a second variant was either not found or specified (Liechti et al. 1999. PubMed ID: 10439967; Alonso et al. 2007. PubMed ID: 17331079). This variant has also been reported along with a second CFTR pathogenic variant (p.Phe508del or c.2988+1G>A) in three individuals with CF, including an individual with pancreatic sufficiency and an individual presenting with nasal polyps and congestion (Hagner et al. 2020. PMID 32139467; Leutz-Schmidt et al. 2023. PubMed ID: 37009019; Meneses et al. 2024. PubMed ID: 38956483). A fourth individual with symptoms suggestive of CF carrying both the p.Thr1299Ile and p.Phe508del variants had an intermediate sweat test and normal intestinal current measurements (ICM) but had an abnormal nasal potential difference (NPD) consistent with chronic pulmonary disease (Minso et al. 2020. PubMed ID: 33020115). This variant has also been detected in individuals with abnormal newborn screening results leading to a CF screen positive, inconclusive diagnosis (CFSPID) in one individual with an intermediate sweat chloride concentration (30-59 mmol/L) and a CF diagnosis in another individual later established due to an increase in sweat chloride concentration (≥60 mmol/L) (Ooi et al. 2015. PubMed ID: 25963003; Gonska et al. 2021. PubMed ID: 34814176). This variant is reported in one individual with CF, and two individuals with CFTR-related disease in the CFTR-France database. In vitro experimental studies suggest this variant impacts protein function, albeit to a lesser extent than a severe pathogenic variant (p.Phe508del), and has a quantifiable response to treatment with a CFTR modulator combination (Table S1, Bihler et al. 2024. PubMed ID: 38388235). Taken together, this variant is interpreted as likely pathogenic, though we suspect it may result in variable clinical consequence.

Women's Health and Genetics/Laboratory Corporation of America, LabCorp
Classification: Likely pathogenic for Cystic fibrosis. Last evaluated: 2025-05-07. Review status: criteria provided, single submitter. Criteria: LabCorp Variant Classification Summary - May 2015. Collection method: clinical testing. Allele origin: germline.
Comment: Variant summary: CFTR c.3896C>T (p.Thr1299Ile) results in a non-conservative amino acid change in the encoded protein sequence. Algorithms developed to predict the effect of missense changes on protein structure and function all suggest that this variant is likely to be disruptive. The variant was absent in 249246 control chromosomes. c.3896C>T has been observed in the presumed or confirmed compound heterozygous state in multiple individual(s) affected with clinical features of Cystic Fibrosis (example, Rock_2005, Minso_2020, Gonska_2021, Frey_2021, Labcorp Genetics (formerly Invitae)), generally with the F508del common pathogenic variant. These data indicate that the variant is likely to be associated with disease. At least one publication reports experimental evidence evaluating an impact on protein function. The most pronounced variant effect resulted in approximately 10.12% of normal chloride channel conductance relative to wild type (e.g., Bihler_2024). The following publications have been ascertained in the context of this evaluation (PMID: 17331079, 34814176, 10439967, 33020115, 25963003, 16202788, 38388235, 33431308). ClinVar contains an entry for this variant (Variation ID: 53844). Based on the evidence outlined above, the variant was classified as likely pathogenic.

Ambry Genetics
Classification: Likely pathogenic for Cystic fibrosis. Last evaluated: 2025-02-11. Review status: criteria provided, single submitter. Criteria: Ambry Variant Classification Scheme 2023. Collection method: clinical testing. Allele origin: germline.
Comment: The p.T1299I variant (also known as c.3896C>T), located in coding exon 24 of the CFTR gene, results from a C to T substitution at nucleotide position 3896. The threonine at codon 1299 is replaced by isoleucine, an amino acid with similar properties. This variant has been identified in multiple individuals with a clinical diagnosis of cystic fibrosis (Liechti-Gallati S et al. Eur J Hum Genet. 1999;7(5):590-598, Alonso MJ et al. Ann Hum Genet. 2007;71(Pt 2):194-201; Leutz-Schmidt P et al. ERJ Open Res, 2023 Mar;9:). In an assay testing CFTR function, this variant showed a functionally abnormal result (Bihler H et al. J Cyst Fibros, 2024 Jul;23:664-675). This amino acid position is well conserved in available vertebrate species. In addition, this alteration is predicted to be deleterious by in silico analysis. This variant is considered to be rare based on population cohorts in the Genome Aggregation Database (gnomAD). Based on the majority of available evidence to date, this variant is likely to be pathogenic.

Johns Hopkins Genomics, Johns Hopkins University
Classification: Likely pathogenic for Cystic fibrosis. Last evaluated: 2024-12-17. Review status: criteria provided, single submitter. Criteria: ACMG Guidelines, 2015. Collection method: clinical testing. Allele origin: germline.
Comment: This CFTR missense variant has been identified in multiple individuals with features of cystic fibrosis who carry a second CF-causing variant. It (rs397508634) is rare (<0.1%) in a large population dataset (gnomADv4.1.0: 4/1571712 total alleles; 0.0003%; no homozygotes) and has been reported in ClinVar (Variation ID: 53844). A single functional study demonstrates that this variant decreases CFTR function (10.12% of wild type). We consider CFTR c.3896C>T to be likely pathogenic.

Institute of Human Genetics, University of Leipzig Medical Center
Classification: Likely pathogenic for Cystic fibrosis. Last evaluated: 2022-09-05. Review status: criteria provided, single submitter. Criteria: ACMG Guidelines, 2015. Collection method: curation. Allele origin: unknown. Affected: yes. Observed: 4 variant alleles.
Comment: This variant was identified in 4 unrelated patients with a clinically confirmed diagnosis of cystic fibrosis. The variant was classified in the context of a project re-classifying variants in the German Cystic Fibrosis Registry (Muko.e.V.). Criteria applied: PM2_SUP, PM3_STR, PP3

Genome-Nilou Lab
Classification: Uncertain significance for Cystic fibrosis. Last evaluated: 2021-09-05. Review status: criteria provided, single submitter. Criteria: ACMG Guidelines, 2015. Collection method: clinical testing. Allele origin: germline. Affected: no.

Mayo Clinic Laboratories, Mayo Clinic
Classification: Uncertain significance. Last evaluated: 2021-01-14. Review status: criteria provided, single submitter. Criteria: ACMG Guidelines, 2015. Collection method: clinical testing. Allele origin: germline. Observed: 1 variant allele.

ARUP Laboratories, Molecular Genetics and Genomics, ARUP Laboratories
Classification: Uncertain significance. Last evaluated: 2018-12-13. Review status: criteria provided, single submitter. Criteria: ARUP Molecular Germline Variant Investigation Process. Collection method: clinical testing. Allele origin: germline.
Comment: The CFTR c.3896C>T; p.Thr1299Ile variant (rs397508634), is reported in the literature in individuals with a suspected diagnosis of cystic fibrosis, including with the common pathogenic F508del variant on the opposite chromosome (Alonso 2007, Liechti-Gallati 1999, Ooi 2015, Rock 2005). This variant is reported in ClinVar (Variation ID: 53844), and is absent from general population databases (1000 Genomes Project, Exome Variant Server, and Genome Aggregation Database), indicating it is not a common polymorphism. The threonine at codon 1299 is highly conserved, and computational analyses (SIFT, PolyPhen-2) predict that this variant is deleterious. However, given the lack of clinical and functional data, the significance of the p.Thr1299Ile variant is uncertain at this time. References: Alonso MJ et al. Spectrum of mutations in the CFTR gene in cystic fibrosis patients of Spanish ancestry. Ann Hum Genet. 2007 Mar;71(Pt 2):194-201. Liechti-Gallati S et al. Two buffer PAGE system-based SSCP/HD analysis: a general protocol for rapid and sensitive mutation screening in cystic fibrosis and any other human genetic disease. Eur J Hum Genet. 1999 Jul;7(5):590-8. Ooi CY et al. Inconclusive diagnosis of cystic fibrosis after newborn screening. Pediatrics. 2015 Jun;135(6):e1377-85. Rock MJ et al. Newborn screening for cystic fibrosis in Wisconsin: nine-year experience with routine trypsinogen/DNA testing. J Pediatr. 2005 Sep;147(3 Suppl):S73-7.

Mendelics
Classification: Uncertain significance for Cystic fibrosis. Last evaluated: 2018-11-05. Review status: criteria provided, single submitter. Criteria: Mendelics Assertion Criteria 2017. Collection method: clinical testing. Allele origin: unknown. Affected: yes.

ClinVar Staff, National Center for Biotechnology Information (NCBI)
No classification provided. Condition: CFTR-related disorders. Review status: no classification provided. Collection method: literature only. Allele origin: germline. Affected: yes. Not counted in ClinVar's aggregate classification.

Literature cited by the submitters: PubMed 10439967 (cited by 3 submitters); PubMed 16049310 (cited by Labcorp Genetics (formerly Invitae), Labcorp); PubMed 25963003 (cited by 4 submitters); PubMed 33431308 (cited by Labcorp Genetics (formerly Invitae), Labcorp and Women's Health and Genetics/Laboratory Corporation of America, LabCorp); PubMed 34814176 (cited by Labcorp Genetics (formerly Invitae), Labcorp and Women's Health and Genetics/Laboratory Corporation of America, LabCorp); PubMed 37009019 (cited by Labcorp Genetics (formerly Invitae), Labcorp and Ambry Genetics); PubMed 38956483 (cited by Natera, Inc. and Johns Hopkins Genomics, Johns Hopkins University); PubMed 36892308 (cited by Natera, Inc.); PubMed 35633718 (cited by Natera, Inc.); PubMed 33020115 (cited by Natera, Inc. and Women's Health and Genetics/Laboratory Corporation of America, LabCorp); PubMed 38388235 (cited by 4 submitters); PubMed 17331079 (cited by 3 submitters); PubMed 16202788 (cited by Women's Health and Genetics/Laboratory Corporation of America, LabCorp); PubMed 32819855 (cited by Johns Hopkins Genomics, Johns Hopkins University).

NM_000492.4(CFTR):c.3896C>T (p.Thr1299Ile)

Gene: CFTR (CF transmembrane conductance regulator; plus strand). Cytogenetic location: 7q31.2.
Variant type: single nucleotide variant.
Coding change: c.3896C>T on transcript NM_000492.4 (MANE Select); coding-DNA position 3896, C replaced by T.
Protein change: p.Thr1299Ile; replaces threonine 1299 with isoleucine.
Molecular consequence: missense variant.
Genome position (GRCh38, 1-based): chr7:117,652,864, C>T. VCF-style: chr7-117652864-C-T. GRCh37 (hg19) VCF-style: chr7-117292918-C-T.
Other names: short protein forms T1299I.
Identifiers: ClinVar variation 53844 (VCV000053844.28), dbSNP rs397508634, ClinGen allele CA327332.